The following is an entry in ClinVar:

ClinVar aggregate classification (germline): Uncertain significance (1 of 4 stars; one submission).

Conditions:
Progressive sclerosing poliodystrophy (MTDPS4A). Also called: Mitochondrial DNA Depletion Syndrome 4A; Alpers-Huttenlocher Syndrome (AHS); ALPERS PROGRESSIVE INFANTILE POLIODYSTROPHY; NEURONAL DEGENERATION OF CHILDHOOD WITH LIVER DISEASE, PROGRESSIVE; Mitochondrial DNA depletion syndrome 4A (Alpers type); Alpers Syndrome. Identifiers: Orphanet 726, MedGen C0205710, MONDO:0008758, OMIM 203700.

Submission:

Labcorp Genetics (formerly Invitae), Labcorp
Classification: Uncertain significance for Progressive sclerosing poliodystrophy. Last evaluated: 2022-02-28. Review status: criteria provided, single submitter. Criteria: Invitae Variant Classification Sherloc (09022015). Collection method: clinical testing. Allele origin: germline.
Comment: In summary, the available evidence is currently insufficient to determine the role of this variant in disease. Therefore, it has been classified as a Variant of Uncertain Significance. Algorithms developed to predict the effect of missense changes on protein structure and function are either unavailable or do not agree on the potential impact of this missense change (SIFT: "Deleterious"; PolyPhen-2: "Probably Damaging"; Align-GVGD: "Class C0"). This variant has not been reported in the literature in individuals affected with POLG-related conditions. This variant is not present in population databases (gnomAD no frequency). This sequence change replaces glycine, which is neutral and non-polar, with valine, which is neutral and non-polar, at codon 380 of the POLG protein (p.Gly380Val).

NM_002693.3(POLG):c.1139G>T (p.Gly380Val)

Gene: POLG (DNA polymerase gamma, catalytic subunit; minus strand). Cytogenetic location: 15q26.1.
Variant type: single nucleotide variant.
Coding change: c.1139G>T on transcript NM_002693.3 (MANE Select); coding-DNA position 1139, G replaced by T.
Protein change: p.Gly380Val; replaces glycine 380 with valine.
Molecular consequence: missense variant.
Genome position (GRCh38, 1-based): chr15:89,328,716, C>A on the plus strand (G>T on the coding strand, the complement: POLG is on the minus strand). VCF-style: chr15-89328716-C-A. GRCh37 (hg19) VCF-style: chr15-89871947-C-A.
Other names: c.1139G>T, p.Gly380Val (NM_001126131.2); short protein forms G380V.
Identifiers: ClinVar variation 2104353 (VCV002104353.4), dbSNP rs2509261144, ClinGen allele CA393764748.